The following is an entry in ClinVar:

NM_032043.3(BRIP1):c.3149C>G (p.Thr1050Ser)

Gene: BRIP1 (BRCA1 interacting DNA helicase 1; minus strand). Cytogenetic location: 17q23.2.
Variant type: single nucleotide variant.
Coding change: c.3149C>G on transcript NM_032043.3 (MANE Select); coding-DNA position 3149, C replaced by G.
Protein change: p.Thr1050Ser; replaces threonine 1050 with serine.
Molecular consequence: missense variant.
Genome position (GRCh38, 1-based): chr17:61,683,897, G>C on the plus strand (C>G on the coding strand, the complement: BRIP1 is on the minus strand). VCF-style: chr17-61683897-G-C. GRCh37 (hg19) VCF-style: chr17-59761258-G-C.
Other names: short protein forms T1050S.
Identifiers: ClinVar variation 2113147 (VCV002113147.4), dbSNP rs373040333, ClinGen allele CA400479546.

ClinVar aggregate classification (germline): Uncertain significance (1 of 4 stars; one submission).

Conditions:
Fanconi anemia complementation group J. Also called: BRIP1-Related Fanconi Anemia. Identifiers: Orphanet 84, MedGen C1836860, MONDO:0012187, OMIM 609054.
Familial cancer of breast. Also called: BREAST CANCER, FAMILIAL; hereditary breast carcinoma; Hereditary breast cancer. Identifiers: Orphanet 227535, MedGen C0346153, MONDO:0016419, OMIM 114480. Disease mechanism: loss of function.

gnomAD v4.1: 1 of 1,614,186 alleles (0.000062%); no homozygotes.

Submission:

Labcorp Genetics (formerly Invitae), Labcorp
Classification: Uncertain significance for Familial cancer of breast; Fanconi anemia complementation group J. Last evaluated: 2022-03-16. Review status: criteria provided, single submitter. Criteria: Invitae Variant Classification Sherloc (09022015). Collection method: clinical testing. Allele origin: germline.
Comment: In summary, the available evidence is currently insufficient to determine the role of this variant in disease. Therefore, it has been classified as a Variant of Uncertain Significance. Algorithms developed to predict the effect of missense changes on protein structure and function output the following: SIFT: "Tolerated"; PolyPhen-2: "Benign"; Align-GVGD: "Class C0". The serine amino acid residue is found in multiple mammalian species, which suggests that this missense change does not adversely affect protein function. This variant has not been reported in the literature in individuals affected with BRIP1-related conditions. This variant is not present in population databases (gnomAD no frequency). This sequence change replaces threonine, which is neutral and polar, with serine, which is neutral and polar, at codon 1050 of the BRIP1 protein (p.Thr1050Ser).